The following is an entry in ClinVar:

ClinVar aggregate classification (germline): Pathogenic (1 of 4 stars; one submission).

Conditions:
Bardet-Biedl syndrome (BBS). Identifiers: Orphanet 110, MedGen C0752166, MONDO:0015229.
McKusick-Kaufman syndrome (MKKS). Also called: HYDROMETROCOLPOS SYNDROME; HYDROMETROCOLPOS, POSTAXIAL POLYDACTYLY, AND CONGENITAL HEART MALFORMATION. Identifiers: Orphanet 2473, MedGen C0948368, MONDO:0009367, OMIM 236700.

Submission:

Labcorp Genetics (formerly Invitae), Labcorp
Classification: Pathogenic for McKusick-Kaufman syndrome; Bardet-Biedl syndrome. Last evaluated: 2021-06-06. Review status: criteria provided, single submitter. Criteria: Invitae Variant Classification Sherloc (09022015). Collection method: clinical testing. Allele origin: germline.
Comment: This sequence change creates a premature translational stop signal (p.Gln59Valfs*31) in the MKKS gene. It is expected to result in an absent or disrupted protein product. Loss-of-function variants in MKKS are known to be pathogenic (PMID: 11179009, 28761321, 30614526). This variant is not present in population databases (ExAC no frequency). This variant has not been reported in the literature in individuals with MKKS-related conditions. For these reasons, this variant has been classified as Pathogenic.

Literature cited by the submitters: PubMed 11179009; PubMed 28761321; PubMed 30614526.

NM_170784.3(MKKS):c.175_176del (p.Gln59fs)

Gene: MKKS (MKKS centrosomal shuttling protein; minus strand). Cytogenetic location: 20p12.2.
Variant type: Microsatellite.
Coding change: c.175_176del on transcript NM_170784.3 (MANE Select); coding-DNA positions 175 to 176, 2 bases deleted (CA; older notation c.175_176delCA).
Protein change: p.Gln59fs; shifts the reading frame from glutamine 59.
Molecular consequence: frameshift variant.
Genome position (GRCh38, 1-based): chr20:10,413,339-10,413,340, TG deleted on the plus strand (CA on the coding strand, the reverse complement: MKKS is on the minus strand); deleting any 2 consecutive bases within chr20:10,413,339-10,413,342 gives the same sequence; the c. name uses the placement nearest the transcript's 3' end. VCF-style (leftmost placement, unchanged base first): chr20-10413338-CTG-C. GRCh37 (hg19) VCF-style: chr20-10393986-CTG-C.
Other names: c.175_176del, p.Gln59fs (NM_018848.3); short protein forms Q59fs.
Identifiers: ClinVar variation 1455389 (VCV001455389.3), dbSNP rs2122236167, ClinGen allele CA2580614997.
Genomic context (GRCh38, chr20:10,413,338, plus strand): 5'-GGCTGTCAGGATCTTTAAAATGGGATGTGTGACCAAAAGGTGACTGAGCAGAGCTGAGGA[CTG>C]TGAGGTTGTACACACGTAACCTCCAAAGCCATTGTGCAGCTGCTTCAGCCTACCTGAGGG-3'